The following is an entry in ClinVar:

NM_032638.5(GATA2):c.914T>C (p.Leu305Pro)

Gene: GATA2 (GATA binding protein 2; minus strand). Cytogenetic location: 3q21.3.
Variant type: single nucleotide variant.
Coding change: c.914T>C on transcript NM_032638.5 (MANE Select); coding-DNA position 914, T replaced by C.
Protein change: p.Leu305Pro; replaces leucine 305 with proline.
Molecular consequence: missense variant.
Genome position (GRCh38, 1-based): chr3:128,483,963, A>G on the plus strand (T>C on the coding strand, the complement: GATA2 is on the minus strand). VCF-style: chr3-128483963-A-G. GRCh37 (hg19) VCF-style: chr3-128202806-A-G.
Other names: c.914T>C, p.Leu305Pro (NM_001145661.2, NM_001145662.1); short protein forms L305P.
Identifiers: ClinVar variation 3753820 (VCV003753820.2).

ClinVar aggregate classification (germline): Uncertain significance (1 of 4 stars; one submission).

Conditions:
Deafness-lymphedema-leukemia syndrome. Also called: Lymphedema, primary, with myelodysplasia; Emberger syndrome. Identifiers: Orphanet 3226, MedGen C3279664, MONDO:0013540, OMIM 614038.
Monocytopenia with susceptibility to infections. Also called: MONOCYTOPENIA AND MYCOBACTERIAL INFECTION SYNDROME; MONOCYTOPENIA WITH SUSCEPTIBILITY TO MYCOBACTERIAL, FUNGAL, AND PAPILLOMAVIRUS INFECTIONS AND MYELODYSPLASIA; COMBINED IMMUNODEFICIENCY WITH SUSCEPTIBILITY TO MYCOBACTERIAL, VIRAL, AND FUNGAL INFECTIONS; Dendritic cell, monocyte, B lymphocyte, and natural killer lymphocyte deficiency; IMMUNODEFICIENCY 21; GATA2 DEFICIENCY. Identifiers: Orphanet 228423, MedGen C3280030, MONDO:0013607, OMIM 614172.

Submission:

Labcorp Genetics (formerly Invitae), Labcorp
Classification: Uncertain significance for Monocytopenia with susceptibility to infections; Deafness-lymphedema-leukemia syndrome. Last evaluated: 2024-02-02. Review status: criteria provided, single submitter. Criteria: Invitae Variant Classification Sherloc (09022015). Collection method: clinical testing. Allele origin: germline.
Comment: This sequence change replaces leucine, which is neutral and non-polar, with proline, which is neutral and non-polar, at codon 305 of the GATA2 protein (p.Leu305Pro). This variant is not present in population databases (gnomAD no frequency). This variant has not been reported in the literature in individuals affected with GATA2-related conditions. Advanced modeling of protein sequence and biophysical properties (such as structural, functional, and spatial information, amino acid conservation, physicochemical variation, residue mobility, and thermodynamic stability) performed at Invitae indicates that this missense variant is expected to disrupt GATA2 protein function with a positive predictive value of 95%. In summary, the available evidence is currently insufficient to determine the role of this variant in disease. Therefore, it has been classified as a Variant of Uncertain Significance.